The following is an entry in ClinVar:

NM_001267550.2(TTN):c.36009T>C (p.Asp12003=)

Gene: TTN (titin; minus strand). Cytogenetic location: 2q31.2.
Variant type: single nucleotide variant.
Coding change: c.36009T>C on transcript NM_001267550.2 (MANE Select); coding-DNA position 36009, T replaced by C.
Protein change: p.Asp12003=; no amino-acid change (aspartic acid 12003 retained).
Molecular consequence: synonymous variant. On other transcripts: intron variant (5).
Genome position (GRCh38, 1-based): chr2:178,665,411, A>G on the plus strand (T>C on the coding strand, the complement: TTN is on the minus strand). VCF-style: chr2-178665411-A-G. GRCh37 (hg19) VCF-style: chr2-179530138-A-G.
Other names: c.13283-23094T>C (NM_003319.4); c.13859-23094T>C (NM_133437.4); c.13658-23094T>C (NM_133432.3); c.31484-2356T>C (NM_133378.4); c.34265-2356T>C (NM_001256850.1).
Identifiers: ClinVar variation 753576 (VCV000753576.12), dbSNP rs1471754400, ClinGen allele CA430120525.

ClinVar aggregate classification (germline): Likely benign. Review status: criteria provided, multiple submitters, no conflicts (2 of 4 stars). 2 submissions from 2 submitters: Likely benign (2). Last evaluated 2025-04-09.

Conditions:
Autosomal recessive limb-girdle muscular dystrophy type 2J (LGMDR10). Also called: Limb-girdle muscular dystrophy, type 2J; MUSCULAR DYSTROPHY, LIMB-GIRDLE, AUTOSOMAL RECESSIVE 10. Identifiers: Orphanet 140922, MedGen C1837342, MONDO:0012127, OMIM 608807.
Dilated cardiomyopathy 1G (CMD1G). Identifiers: Orphanet 154, MedGen C1858763, MONDO:0011400, OMIM 604145.

Allele frequency attached by ClinVar (database versions not stated): gnomAD exomes below 0.00001; TOPMed below 0.00001; gnomAD 0.00001.
gnomAD v4.1: 3 of 1,612,334 alleles (0.00019%); highest among the groups gnomAD compares: African/African-American, 0.004%; no homozygotes.

Submissions (2):

Molecular Diagnostic Laboratory for Inherited Cardiovascular Disease, Montreal Heart Institute
Classification: Likely benign. Last evaluated: 2025-04-09. Review status: criteria provided, single submitter. Criteria: ACMG Guidelines, 2015. Collection method: clinical testing. Allele origin: germline. Affected: no.
Comment: BP6;BP7

Labcorp Genetics (formerly Invitae), Labcorp
Classification: Likely benign for Dilated cardiomyopathy 1G; Autosomal recessive limb-girdle muscular dystrophy type 2J. Last evaluated: 2024-04-16. Review status: criteria provided, single submitter. Criteria: Invitae Variant Classification Sherloc (09022015). Collection method: clinical testing. Allele origin: germline.